The following is an entry in ClinVar:

NM_000101.4(CYBA):c.205G>T (p.Gly69Ter)

Gene: CYBA (cytochrome b-245 alpha chain; minus strand). Cytogenetic location: 16q24.2.
Variant type: single nucleotide variant.
Coding change: c.205G>T on transcript NM_000101.4 (MANE Select); coding-DNA position 205, G replaced by T.
Protein change: p.Gly69Ter; replaces glycine 69 with a stop codon.
Molecular consequence: nonsense.
Genome position (GRCh38, 1-based): chr16:88,646,837, C>A on the plus strand (G>T on the coding strand, the complement: CYBA is on the minus strand). VCF-style: chr16-88646837-C-A. GRCh37 (hg19) VCF-style: chr16-88713245-C-A.
Other names: short protein forms G69*.
Identifiers: ClinVar variation 5015794 (VCV005015794.1).

ClinVar aggregate classification (germline): Pathogenic (1 of 4 stars; one submission).

Conditions:
Granulomatous disease, chronic, autosomal recessive, cytochrome b-negative. Also called: CGD DUE TO DEFICIENCY OF THE ALPHA SUBUNIT OF CYTOCHROME b; CGD, AUTOSOMAL RECESSIVE CYTOCHROME b-NEGATIVE; CYBA DEFICIENCY; GRANULOMATOUS DISEASE, CHRONIC, AUTOSOMAL RECESSIVE, 4; Chronic granulomatous disease, autosomal, due to deficiency of CYBA. Identifiers: Orphanet 379, MedGen C1856255, MONDO:0009308, OMIM 233690.

Submission:

Myriad Genetics, Inc.
Classification: Pathogenic for Granulomatous disease, chronic, autosomal recessive, cytochrome b-negative. Last evaluated: 2024-05-14. Review status: criteria provided, single submitter. Criteria: Myriad Autosomal Dominant, Autosomal Recessive and X-Linked Classification Criteria (2023). Collection method: clinical testing. Allele origin: unknown.
Comment: NM_000101.3(CYBA):c.205G>T(G69*) is expected to be pathogenic in the context of chronic granulomatous disease, CYBA-related. This variant is predicted to lead to an abnormal or absent protein product due to the creation of a premature termination codon in CYBA, a gene where loss-of-function variants are known to be pathogenic. Please note: this variant was assessed in the context of healthy population screening.